The following is an entry in ClinVar:

ClinVar aggregate classification (germline): Uncertain significance. Review status: criteria provided, multiple submitters, no conflicts (2 of 4 stars). 3 submissions from 3 submitters: Uncertain significance (3). Last evaluated 2026-03-11.

Conditions:
Autosomal recessive limb-girdle muscular dystrophy type 2Q (LGMDR17). Also called: MUSCULAR DYSTROPHY, LIMB-GIRDLE, AUTOSOMAL RECESSIVE 17. Identifiers: Orphanet 254361, MedGen C3150989, MONDO:0013390, OMIM 613723.
Epidermolysis bullosa simplex, Ogna type (EBS5A). Also called: Pidermolysis bullosa simplex 5A, Ogna type; EPIDERMOLYSIS BULLOSA SIMPLEX 5A, OGNA TYPE. Identifiers: Orphanet 79401, MedGen C0432317, MONDO:0007555, OMIM 131950.
Epidermolysis bullosa simplex 5B, with muscular dystrophy (EBS5B). Also called: EPIDERMOLYSIS BULLOSA SIMPLEX AND LIMB-GIRDLE MUSCULAR DYSTROPHY; Epidermolysis bullosa simplex with muscular dystrophy. Identifiers: Orphanet 257, MedGen C2931072, MONDO:0009181, OMIM 226670.
Epidermolysis bullosa simplex 5C, with pyloric atresia (EBS5C). Also called: PLEC-Related Epidermolysis Bullosa with Pyloric Atresia; Epidermolysis bullosa simplex with pyloric atresia; PLEC1-Related Epidermolysis Bullosa with Pyloric Atresia. Identifiers: Orphanet 158684, MedGen C2677349, MONDO:0012807, OMIM 612138.
Epidermolysis bullosa simplex with nail dystrophy (EBS5D). Identifiers: MedGen C4225309, MONDO:0014661, OMIM 616487.
PLEC-related disorder. Also called: PLEC-related disorders; PLEC-related condition.
Inborn genetic diseases. Identifiers: MedGen C0950123, MeSH D030342.

gnomAD v4.1: 4 of 1,612,008 alleles (0.00025%); highest among the groups gnomAD compares: African/African-American, 0.0013%; no homozygotes.

Submissions (5):

PreventionGenetics, part of Exact Sciences
Classification: Uncertain significance for PLEC-related condition. Last evaluated: 2026-03-11. Review status: criteria provided, single submitter. Criteria: ACMG Guidelines, 2015. Collection method: clinical testing. Allele origin: germline.
Comment: The PLEC c.2068C>T variant is predicted to result in the amino acid substitution p.Arg690Trp. To our knowledge, this variant has not been reported in the literature or in a large population database (gnomAD), indicating this variant is rare. At this time, the clinical significance of this variant is uncertain due to the absence of conclusive functional and genetic evidence.

Ambry Genetics
Classification: Uncertain significance for Inborn genetic diseases. Last evaluated: 2024-09-10. Review status: criteria provided, single submitter. Criteria: Ambry Variant Classification Scheme 2023. Collection method: clinical testing. Allele origin: germline.

Labcorp Genetics (formerly Invitae), Labcorp
Classification: Uncertain significance for Autosomal recessive limb-girdle muscular dystrophy type 2Q; Epidermolysis bullosa simplex, Ogna type; Epidermolysis bullosa simplex with nail dystrophy; Epidermolysis bullosa simplex 5C, with pyloric atresia; Epidermolysis bullosa simplex 5B, with muscular dystrophy. Last evaluated: 2021-08-04. Review status: criteria provided, single submitter. Criteria: Invitae Variant Classification Sherloc (09022015). Collection method: clinical testing. Allele origin: germline.
Comment: In summary, the available evidence is currently insufficient to determine the role of this variant in disease. Therefore, it has been classified as a Variant of Uncertain Significance. Algorithms developed to predict the effect of missense changes on protein structure and function are either unavailable or do not agree on the potential impact of this missense change (SIFT: "Deleterious"; PolyPhen-2: "Not Available"; Align-GVGD: "Class C65"). This variant has not been reported in the literature in individuals affected with PLEC-related conditions. This variant is not present in population databases (ExAC no frequency). This sequence change replaces arginine with tryptophan at codon 690 of the PLEC protein (p.Arg690Trp). The arginine residue is highly conserved and there is a moderate physicochemical difference between arginine and tryptophan.

Dr. Peter K. Rogan Lab, Western University
No classification provided (evidence only). Condition: Colon adenocarcinoma. Review status: no classification provided. Collection method: in vitro. Allele origin: not applicable. Functional consequence: retained intron. Not counted in ClinVar's aggregate classification.

Dr. Peter K. Rogan Lab, Western University
No classification provided (evidence only). Condition: Malignant tumor of esophagus. Review status: no classification provided. Collection method: in vitro. Allele origin: not applicable. Functional consequence: retained intron. Not counted in ClinVar's aggregate classification.

NM_201384.3(PLEC):c.1987C>T (p.Arg663Trp)

Gene: PLEC (plectin; minus strand). Cytogenetic location: 8q24.3.
Variant type: single nucleotide variant.
Coding change: c.1987C>T on transcript NM_201384.3 (MANE Select); coding-DNA position 1987, C replaced by T.
Protein change: p.Arg663Trp; replaces arginine 663 with tryptophan.
Molecular consequence: missense variant.
Genome position (GRCh38, 1-based): chr8:143,932,225, G>A on the plus strand (C>T on the coding strand, the complement: PLEC is on the minus strand). VCF-style: chr8-143932225-G-A. GRCh37 (hg19) VCF-style: chr8-145006393-G-A.
Other names: c.2398C>T, p.Arg800Trp (NM_201380.4); c.1891C>T, p.Arg631Trp (NM_201381.3); c.1987C>T, p.Arg663Trp (NM_201382.4); c.1999C>T, p.Arg667Trp (NM_201383.3); c.2068C>T (NM_000445.3, NM_000445.4); c.2068C>T, p.Arg690Trp (NM_000445.5); c.1945C>T, p.Arg649Trp (NM_201378.4); c.1921C>T, p.Arg641Trp (NM_201379.3); short protein forms R690W, R649W, R663W, R800W, R631W, R641W, R667W.
Identifiers: ClinVar variation 1416520 (VCV001416520.9), dbSNP rs372672134, ClinGen allele CA187620858.